The following is an entry in ClinVar:

ClinVar aggregate classification (germline): Pathogenic/Likely pathogenic. Review status: criteria provided, multiple submitters, no conflicts (2 of 4 stars). 2 submissions from 2 submitters: Pathogenic (1); Likely pathogenic (1). Last evaluated 2023-10-17.

Conditions:
Primary ciliary dyskinesia. Also called: Ciliary dyskinesia. Identifiers: Orphanet 244, MedGen C0008780, MONDO:0016575, HP:0012265.
Primary ciliary dyskinesia 3. Identifiers: Orphanet 244, MedGen C1837618, MONDO:0012085, OMIM 608644.

Allele frequency attached by ClinVar (database versions not stated): gnomAD exomes below 0.00001; TOPMed 0.00001.
gnomAD v4.1: 2 of 1,614,160 alleles (0.00012%); highest among the groups gnomAD compares: Non-Finnish European, 0.00017%; no homozygotes.

Submissions (2):

Labcorp Genetics (formerly Invitae), Labcorp
Classification: Pathogenic for Primary ciliary dyskinesia. Last evaluated: 2023-10-17. Review status: criteria provided, single submitter. Criteria: Invitae Variant Classification Sherloc (09022015). Collection method: clinical testing. Allele origin: germline.
Comment: This sequence change replaces phenylalanine, which is neutral and non-polar, with serine, which is neutral and polar, at codon 2843 of the DNAH5 protein (p.Phe2843Ser). This variant is present in population databases (rs77377082, gnomAD 0.0009%). This missense change has been observed in individual(s) with primary ciliary dyskinesia (PMID: 16627867; Invitae). ClinVar contains an entry for this variant (Variation ID: 525375). Advanced modeling of protein sequence and biophysical properties (such as structural, functional, and spatial information, amino acid conservation, physicochemical variation, residue mobility, and thermodynamic stability) has been performed at Invitae for this missense variant, however the output from this modeling did not meet the statistical confidence thresholds required to predict the impact of this variant on DNAH5 protein function. For these reasons, this variant has been classified as Pathogenic.

Fulgent Genetics
Classification: Likely pathogenic for Primary ciliary dyskinesia 3. Last evaluated: 2021-11-11. Review status: criteria provided, single submitter. Criteria: ACMG Guidelines, 2015. Collection method: clinical testing. Allele origin: unknown.

Literature cited by the submitters: PubMed 16627867 (cited by Labcorp Genetics (formerly Invitae), Labcorp).

NM_001369.3(DNAH5):c.8528T>C (p.Phe2843Ser)

Gene: DNAH5 (dynein axonemal heavy chain 5; minus strand). Cytogenetic location: 5p15.2.
Variant type: single nucleotide variant.
Coding change: c.8528T>C on transcript NM_001369.3 (MANE Select); coding-DNA position 8528, T replaced by C.
Protein change: p.Phe2843Ser; replaces phenylalanine 2843 with serine.
Molecular consequence: missense variant.
Genome position (GRCh38, 1-based): chr5:13,788,835, A>G on the plus strand (T>C on the coding strand, the complement: DNAH5 is on the minus strand). VCF-style: chr5-13788835-A-G. GRCh37 (hg19) VCF-style: chr5-13788944-A-G.
Other names: short protein forms F2843S.
Identifiers: ClinVar variation 525375 (VCV000525375.13), dbSNP rs77377082, ClinGen allele CA113956772.